The following is an entry in ClinVar:

NM_000057.4(BLM):c.2500A>T (p.Asn834Tyr)

Gene: BLM (BLM RecQ like helicase; plus strand). Cytogenetic location: 15q26.1.
Variant type: single nucleotide variant.
Coding change: c.2500A>T on transcript NM_000057.4 (MANE Select); coding-DNA position 2500, A replaced by T.
Protein change: p.Asn834Tyr; replaces asparagine 834 with tyrosine.
Molecular consequence: missense variant.
Genome position (GRCh38, 1-based): chr15:90,769,531, A>T. VCF-style: chr15-90769531-A-T. GRCh37 (hg19) VCF-style: chr15-91312761-A-T.
Other names: c.2500A>T, p.Asn834Tyr (NM_001287246.2, NM_001287247.2); c.1375A>T, p.Asn459Tyr (NM_001287248.2); short protein forms N834Y, N459Y.
Identifiers: ClinVar variation 4774219 (VCV004774219.1).
Genomic context (GRCh38, chr15:90,769,531, plus strand): 5'-ATGAATATGCTTCGCCAGAAGTTTCCTTCTGTTCCGGTGATGGCTCTTACGGCCACAGCT[A>T]ATCCCAGGGTACAGAAGGACATCCTGACTCAGCTGAAGATTCTCAGACCTCAGGTGTAAG-3'
Protein context (NP_000048.1, residues 824-844): VPVMALTATA[Asn834Tyr]PRVQKDILTQ

ClinVar aggregate classification (germline): Uncertain significance (1 of 4 stars; one submission).

Conditions:
Bloom syndrome (BLM). Also called: Bloom-Torre-Machacek syndrome. Identifiers: Orphanet 125, MedGen C0005859, MONDO:0008876, OMIM 210900.

Submission:

Labcorp Genetics (formerly Invitae), Labcorp
Classification: Uncertain significance for Bloom syndrome. Last evaluated: 2025-05-30. Review status: criteria provided, single submitter. Criteria: Invitae Variant Classification Sherloc (09022015). Collection method: clinical testing. Allele origin: germline.
Comment: This sequence change replaces asparagine, which is neutral and polar, with tyrosine, which is neutral and polar, at codon 834 of the BLM protein (p.Asn834Tyr). This variant is not present in population databases (gnomAD no frequency). This variant has not been reported in the literature in individuals affected with BLM-related conditions. Invitae Evidence Modeling of protein sequence and biophysical properties (such as structural, functional, and spatial information, amino acid conservation, physicochemical variation, residue mobility, and thermodynamic stability) indicates that this missense variant is expected to disrupt BLM protein function with a positive predictive value of 80%. In summary, the available evidence is currently insufficient to determine the role of this variant in disease. Therefore, it has been classified as a Variant of Uncertain Significance.